The following is an entry in ClinVar:

ClinVar aggregate classification (germline): Likely benign (1 of 4 stars; one submission).

Conditions:
Kabuki syndrome 1 (KABUK1). Also called: KMT2D-Related Kabuki Syndrome. Identifiers: Orphanet 2322, MedGen CN030661, MONDO:0007843, OMIM 147920.

gnomAD v4.1: 1 of 1,572,842 alleles (0.000064%); highest among the groups gnomAD compares: Non-Finnish European, 0.000086%; no homozygotes.

Submission:

Centre for Medical Genetics,  Mumbai
Classification: Likely benign for Kabuki syndrome 1. Last evaluated: 2026-06-09. Review status: criteria provided, single submitter. Criteria: ACMG Guidelines, 2015. Collection method: provider interpretation. Allele origin: germline. Inheritance: Autosomal dominant inheritance. Affected: no. Observed: 1 variant allele, 1 heterozygote.
Comment: The variant satisfies PM2 criteria - extremely low frequency in gnomAD population databases. The variant satisfies PP2 criteria - missense variant in a gene with low rate of benign missense mutations and for which missense mutation is a common mechanism of a disease. However, the variant satisfies BS2 criteria - present in heterozygous state in an individual that clinically does not have Kabuki syndrome.

Literature cited by the submitters: PubMed 20711175.

NM_003482.4(KMT2D):c.2036C>T (p.Pro679Leu)

Gene: KMT2D (lysine methyltransferase 2D; minus strand). Cytogenetic location: 12q13.12.
Variant type: single nucleotide variant.
Coding change: c.2036C>T on transcript NM_003482.4 (MANE Select); coding-DNA position 2036, C replaced by T.
Protein change: p.Pro679Leu; replaces proline 679 with leucine.
Molecular consequence: missense variant.
Genome position (GRCh38, 1-based): chr12:49,051,647, G>A on the plus strand (C>T on the coding strand, the complement: KMT2D is on the minus strand). VCF-style: chr12-49051647-G-A. GRCh37 (hg19) VCF-style: chr12-49445430-G-A.
Other names: short protein forms P679L.
Identifiers: ClinVar variation 4884511 (VCV004884511.1).
Genomic context (GRCh38, chr12:49,051,647, plus strand): 5'-GATGTGGGGGAGTCCTCAGGTGGTGGGGAGAGGCGTGAAGCCTCAGGTGGAGGGGACGTG[G>A]GAGACTCCTCAGGCGGTGGGGACAAGGGAGATTCCTCAGGCGGTGGAGACAGGCGTGACA-3'
Protein context (NP_003473.3, residues 669-689): SPLSPPPEES[Pro679Leu]TSPPPEASRL